The following is an entry in ClinVar:

NM_015915.5(ATL1):c.315del (p.Glu105fs)

Gene: ATL1 (atlastin GTPase 1; plus strand). Cytogenetic location: 14q22.1.
Variant type: Deletion.
Coding change: c.315del on transcript NM_015915.5 (MANE Select); coding-DNA position 315, one base deleted (A; older notation c.315delA).
Protein change: p.Glu105fs; shifts the reading frame from glutamic acid 105.
Molecular consequence: frameshift variant.
Genome position (GRCh38, 1-based): chr14:50,590,973, A deleted; the last of 2 consecutive A bases (chr14:50,590,972-50,590,973); deleting either gives the same sequence. VCF-style (leftmost placement, unchanged base first): chr14-50590971-GA-G. GRCh37 (hg19) VCF-style: chr14-51057689-GA-G.
Other names: c.315del, p.Glu105fs (NM_001127713.1, NM_181598.4); c.315delA, p.Glu105Aspfs (NM_015915.4); short protein forms E105fs.
Identifiers: ClinVar variation 5016702 (VCV005016702.1).
Genomic context (GRCh38, chr14:50,590,971, plus strand): 5'-TTCCATATCATAGACTTTATCATTTTATAGGAATCAGTTGATTGGGTTGGAGACTACAAT[GA>G]ACCATTGACTGGTTTTTCATGGAGAGGTGGATCTGAGCGAGAGACCACAGGAATTCAGAT-3'

ClinVar aggregate classification (germline): Uncertain significance (1 of 4 stars; one submission).

Submission:

GeneDx
Classification: Uncertain significance. Last evaluated: 2026-03-30. Review status: criteria provided, single submitter. Criteria: GeneDx Variant Classification Process June 2021. Collection method: clinical testing. Allele origin: germline.
Comment: Not observed at significant frequency in large population cohorts (gnomAD); Frameshift variant predicted to result in protein truncation or nonsense mediated decay in a gene or region of a gene for which loss of function is not a well-established mechanism of disease; Has not been previously published as pathogenic or benign to our knowledge